The following is an entry in ClinVar:

ClinVar aggregate classification (germline): Uncertain significance. Review status: reviewed by expert panel (3 of 4 stars). 3 submissions from 3 submitters: Uncertain significance (1). 2 of the submissions do not count toward it. Last evaluated 2026-09-01.
ClinVar aggregate classification (somatic clinical impact): Tier I - Strong. Review status: criteria provided, single submitter (1 of 4 stars). 3 submissions from 1 submitter. Last evaluated 2025-05-22.

Conditions:
Hereditary cancer-predisposing syndrome. Also called: Neoplastic Syndromes, Hereditary; Tumor predisposition; Hereditary neoplastic syndrome; Hereditary Cancer Syndrome. Identifiers: Orphanet 140162, MedGen C0027672, MeSH D009386, MONDO:0015356.
DICER1-related tumor predisposition. Also called: DICER1-related pleuropulmonary blastoma cancer predisposition syndrome; DICER1 syndrome. Identifiers: Orphanet 284343, MedGen C3839822, MONDO:0100216.
Pleuropulmonary blastoma (PPB). Identifiers: Orphanet 64742, MedGen C1266144, MONDO:0011014, OMIM 601200, HP:0100528.
Sertoli-Leydig cell tumor. Identifiers: MedGen C0206723, MONDO:0002479.
Primary intracranial sarcoma, DICER1-mutant. Identifiers: MedGen C5670660, MONDO:0858967.

Submissions (6):

ClinGen DICER1 and miRNA-Processing Gene Variant Curation Expert Panel, ClinGen
Classification: Uncertain significance for DICER1-related tumor predisposition. Last evaluated: 2026-09-01. Review status: reviewed by expert panel. Criteria: ClinGen DICER1 and miRNA-Processing Gene Expert Panel Specifications to the ACMG/AMP Variant Interpretation Guidelines for DICER1 Version 1.4. Collection method: curation. Allele origin: germline. Inheritance: Autosomal dominant inheritance.
Comment: The NM_177438.3:c.5438A>G variant in DICER1 is a missense variant predicted to cause substitution of glutamic acid by glycine at amino acid 1813 (p.Glu1813Gly). To our knowledge, this variant has not been reported in individuals with DICER1-related tumor predisposition (PS4 not met). This variant is absent from gnomAD v4.1.0 (PM2_Supporting). In vitro cleavage assay carried out using immunopurified DICER1 variant Glu1813Gly showed that this variant reduces the capacity of the protein to produce 5p microRNAs from a pre-miRNA, indicating that this variant impacts protein function (PS3_Supporting; PMID: 27036314, 28862265; Wu 2018, McGill University). In silico tools predict damaging impact of the variant on protein function (REVEL: 0.95) (PP3). This variant resides in the p.E1813 metal ion-binding residue located in the RNase IIIb domain of DICER1, that is defined as a mutational hotspot and critical functional domain by the ClinGen DICER1 VCEP (PM1; PMID: 31342592). In summary, this variant meets the criteria to be classified as Uncertain Significance for DICER1-related tumor predisposition based on the ACMG/AMP criteria applied, as specified by the ClinGen DICER1 VCEP: PM2_Supporting, PS3_Supporting, PP3, PM1. (Bayesian Points: 5; VCEP specifications version 1.3.0; 02/25/2025). NOTE: Although available evidence supports germline pathogenicity of recurrent DICER1 somatic hotspot variants (PMID: 26925222), the clinical significance of this variant in the germline remains uncertain at this time since it has not yet been observed in the germline of an individual with a recognized DICER1 phenotype.

Institute for Genomic Medicine (IGM) Clinical Laboratory, Nationwide Children's Hospital
Classification: Tier I - Strong for Sertoli-Leydig cell tumor. Assertion type: diagnostic. Clinical significance: supports diagnosis. Last evaluated: 2025-05-22. Review status: criteria provided, single submitter. Criteria: AMP/ASCO/CAP Guidelines, 2017. Collection method: clinical testing. Allele origin: somatic. Affected: yes.
Comment: Variant has Tier I (strong) clinical significance as a diagnostic inclusion criterion in Sertoli-Leydig cell tumor, based on the following evidence: 1) Documented in one or more cancer databases (e.g., St. Jude Pecan, COSMIC, CIViC, OncoKB). 2) Appears in one or more well-established professional guidelines (e.g., World Health Organization [WHO]; National Comprehensive Cancer Network [NCCN]) as providing diagnostic, prognostic, or therapeutic information. 3) Diagnostic for a specific tumor type/classification based on well-powered studies with expert-level consensus (Evidence Level B; PMIDs: 22187960, 24136150, 26033501, 26428316, 28654427).

Ambry Genetics
Classification: Uncertain significance for Hereditary cancer-predisposing syndrome. Last evaluated: 2024-10-09. Review status: criteria provided, single submitter. Criteria: Ambry Variant Classification Scheme 2023. Collection method: clinical testing. Allele origin: germline. Not counted in ClinVar's aggregate classification.
Comment: The p.E1813G variant (also known as c.5438A>G), located in coding exon 24 of the DICER1 gene, results from an A to G substitution at nucleotide position 5438. The glutamic acid at codon 1813 is replaced by glycine, an amino acid with similar properties. This alteration is located in the RNase IIIb domain of the DICER1 protein and variants at this codon have been characterized as somatic hotspot mutations (Foulkes WD et al. Nat. Rev. Cancer. 2014 Oct;14:662-72). While the p.E1813G variant has not been reported in the literature as a germline finding, it has been reported as a somatic finding in numerous DICER1-related tumors (Wu MK et al. J Pathol. 2013 Jun;230:154-64; de Kock L et al. Pediatr Blood Cancer. 2013 Dec;60:2091-2; Rabinowits G et al. Thyroid. 2017 01;27:125-128; de Kock L et al. Br J Cancer. 2017 Jun;116:1621-1626; Chong AS et al. Pediatr Blood Cancer. 2018 10;65:e27294). Functional studies have shown that DICER1 p.E1813G exhibits defects in miRNA processing (Wu MK et al. Endocr. Relat. Cancer. 2016). This amino acid position is highly conserved in available vertebrate species. In addition, this alteration is predicted to be deleterious by in silico analysis. Since supporting evidence is limited at this time, the clinical significance of this alteration remains unclear.

Institute for Genomic Medicine (IGM) Clinical Laboratory, Nationwide Children's Hospital
Classification: Tier I - Strong for Pleuropulmonary blastoma. Assertion type: diagnostic. Clinical significance: supports diagnosis. Last evaluated: 2024-10-03. Review status: criteria provided, single submitter. Criteria: AMP/ASCO/CAP Guidelines, 2017. Collection method: clinical testing. Allele origin: somatic. Affected: yes.
Comment: Variant has Tier I (strong) clinical significance as a diagnostic inclusion criterion in pleuropulmonary blastoma, based on the following evidence: 1) Documented in one or more cancer databases (e.g., St. Jude Pecan, COSMIC, CIViC, OncoKB). 2) Appears in one or more well-established professional guidelines (e.g., World Health Organization [WHO]; National Comprehensive Cancer Network [NCCN]) as providing diagnostic, prognostic, or therapeutic information. 3) Information in the literature supports potential biologic effect of variant (PMID: 31417090). 4) Diagnostic for a specific tumor type/classification according to professional guidelines (Evidence Level A; PMIDs: 23868280, 24675358, 24909177, 26925222, 31603374).

Institute for Genomic Medicine (IGM) Clinical Laboratory, Nationwide Children's Hospital
Classification: Tier I - Strong for Primary intracranial sarcoma, DICER1-mutant. Assertion type: diagnostic. Clinical significance: supports diagnosis. Last evaluated: 2023-12-22. Review status: criteria provided, single submitter. Criteria: AMP/ASCO/CAP Guidelines, 2017. Collection method: clinical testing. Allele origin: somatic. Affected: yes.
Comment: Variant has Tier I (strong) clinical significance as a diagnostic inclusion criterion in primary intracranial sarcoma, DICER1-mutant, based on the following evidence: 1) Documented in one or more cancer databases (e.g., St. Jude Pecan, COSMIC, CIViC, OncoKB). 2) Information in the literature supports potential biologic effect of variant (PMID: 31417090). 3) Diagnostic for a specific tumor type/classification according to professional guidelines (Evidence Level A; PMIDs: 29881993, 32291395, 36966138, 31487013, 34674226).

Foulkes Cancer Genetics LDI, Lady Davis Institute for Medical Research
Classification: Pathogenic for Pleuropulmonary blastoma. Last evaluated: 2019-07-01. Review status: criteria provided, single submitter. Criteria: ACMG Guidelines, 2015. Collection method: curation. Allele origin: somatic, unknown. Affected: yes. Observed: 44 variant alleles. Not counted in ClinVar's aggregate classification.
Comment: ACMG criteria met: PS3, PM1, PM2, PM7, PP3, PP4, BP1

Literature cited by the submitters: PubMed 22187960 (cited by Institute for Genomic Medicine (IGM) Clinical Laboratory, Nationwide Children's Hospital and Foulkes Cancer Genetics LDI, Lady Davis Institute for Medical Research); PubMed 24136150 (cited by Institute for Genomic Medicine (IGM) Clinical Laboratory, Nationwide Children's Hospital and Foulkes Cancer Genetics LDI, Lady Davis Institute for Medical Research); PubMed 26033501 (cited by Institute for Genomic Medicine (IGM) Clinical Laboratory, Nationwide Children's Hospital and Foulkes Cancer Genetics LDI, Lady Davis Institute for Medical Research); PubMed 26428316 (cited by Institute for Genomic Medicine (IGM) Clinical Laboratory, Nationwide Children's Hospital); PubMed 28654427 (cited by Institute for Genomic Medicine (IGM) Clinical Laboratory, Nationwide Children's Hospital and Foulkes Cancer Genetics LDI, Lady Davis Institute for Medical Research); PubMed 23620094 (cited by Ambry Genetics and Foulkes Cancer Genetics LDI, Lady Davis Institute for Medical Research); PubMed 23868280 (cited by 3 submitters); PubMed 27784193 (cited by Ambry Genetics and Foulkes Cancer Genetics LDI, Lady Davis Institute for Medical Research); PubMed 28524158 (cited by Ambry Genetics); PubMed 29943907 (cited by Ambry Genetics and Foulkes Cancer Genetics LDI, Lady Davis Institute for Medical Research); PubMed 31417090 (cited by Institute for Genomic Medicine (IGM) Clinical Laboratory, Nationwide Children's Hospital); PubMed 24675358 (cited by Institute for Genomic Medicine (IGM) Clinical Laboratory, Nationwide Children's Hospital and Foulkes Cancer Genetics LDI, Lady Davis Institute for Medical Research); PubMed 24909177 (cited by Institute for Genomic Medicine (IGM) Clinical Laboratory, Nationwide Children's Hospital and Foulkes Cancer Genetics LDI, Lady Davis Institute for Medical Research); PubMed 26925222 (cited by Institute for Genomic Medicine (IGM) Clinical Laboratory, Nationwide Children's Hospital and Foulkes Cancer Genetics LDI, Lady Davis Institute for Medical Research); PubMed 31603374 (cited by Institute for Genomic Medicine (IGM) Clinical Laboratory, Nationwide Children's Hospital); PubMed 29881993 (cited by Institute for Genomic Medicine (IGM) Clinical Laboratory, Nationwide Children's Hospital); PubMed 32291395 (cited by Institute for Genomic Medicine (IGM) Clinical Laboratory, Nationwide Children's Hospital); PubMed 36966138 (cited by Institute for Genomic Medicine (IGM) Clinical Laboratory, Nationwide Children's Hospital); PubMed 31487013 (cited by Institute for Genomic Medicine (IGM) Clinical Laboratory, Nationwide Children's Hospital); PubMed 34674226 (cited by Institute for Genomic Medicine (IGM) Clinical Laboratory, Nationwide Children's Hospital); PubMed 21882293 (cited by Foulkes Cancer Genetics LDI, Lady Davis Institute for Medical Research); PubMed 24065110 (cited by Foulkes Cancer Genetics LDI, Lady Davis Institute for Medical Research); PubMed 24617712 (cited by Foulkes Cancer Genetics LDI, Lady Davis Institute for Medical Research); PubMed 30260442 (cited by Foulkes Cancer Genetics LDI, Lady Davis Institute for Medical Research); PubMed 24481001 (cited by Foulkes Cancer Genetics LDI, Lady Davis Institute for Medical Research); PubMed 25803323 (cited by Foulkes Cancer Genetics LDI, Lady Davis Institute for Medical Research); PubMed 26033159 (cited by Foulkes Cancer Genetics LDI, Lady Davis Institute for Medical Research); PubMed 26461232 (cited by Foulkes Cancer Genetics LDI, Lady Davis Institute for Medical Research); PubMed 27036314 (cited by Foulkes Cancer Genetics LDI, Lady Davis Institute for Medical Research); PubMed 28862265 (cited by Foulkes Cancer Genetics LDI, Lady Davis Institute for Medical Research); PubMed 27494611 (cited by Foulkes Cancer Genetics LDI, Lady Davis Institute for Medical Research); PubMed 27459524 (cited by Foulkes Cancer Genetics LDI, Lady Davis Institute for Medical Research); PubMed 28323992 (cited by Foulkes Cancer Genetics LDI, Lady Davis Institute for Medical Research); PubMed 29459759 (cited by Foulkes Cancer Genetics LDI, Lady Davis Institute for Medical Research); PubMed 29474644 (cited by Foulkes Cancer Genetics LDI, Lady Davis Institute for Medical Research); PubMed 29538609 (cited by Foulkes Cancer Genetics LDI, Lady Davis Institute for Medical Research); PubMed 30266945 (cited by Foulkes Cancer Genetics LDI, Lady Davis Institute for Medical Research); PubMed 30585947 (cited by Foulkes Cancer Genetics LDI, Lady Davis Institute for Medical Research).

NM_177438.3(DICER1):c.5438A>G (p.Glu1813Gly)

Gene: DICER1 (dicer 1, ribonuclease III; minus strand). Cytogenetic location: 14q32.13.
Variant type: single nucleotide variant.
Coding change: c.5438A>G on transcript NM_177438.3 (MANE Select); coding-DNA position 5438, A replaced by G.
Protein change: p.Glu1813Gly; replaces glutamic acid 1813 with glycine.
Molecular consequence: missense variant. On other transcripts: intron variant (1).
Genome position (GRCh38, 1-based): chr14:95,091,292, T>C on the plus strand (A>G on the coding strand, the complement: DICER1 is on the minus strand). VCF-style: chr14-95091292-T-C. GRCh37 (hg19) VCF-style: chr14-95557629-T-C.
Other names: NM_177438.3(DICER1):c.5438A>G; p.Glu1813Gly; c.5438A>G, p.Glu1813Gly (NM_001271282.3, NM_001291628.2, NM_030621.4); c.5365-183A>G (NM_001195573.1); short protein forms E1813G.
Identifiers: ClinVar variation 933091 (VCV000933091.9), dbSNP rs1889806272, ClinGen allele CA390864652.
Genomic context (GRCh38, chr14:95,091,292, plus strand): 5'-ACCTGCCAGACTGTCTCCAGTGACATCCCACTATCCATGTAAATGGCACCAGCAAGCGAC[T>C]CAAAAATATCCCCCATGGCCTTTGGAACTTCAATATCCTCTTCTTTCTCTTCATCCTCCT-3'
Protein context (NP_803187.1, residues 1803-1823): EVPKAMGDIF[Glu1813Gly]SLAGAIYMDS